The following is an entry in ClinVar:

ClinVar aggregate classification (germline): Uncertain significance (1 of 4 stars; one submission).

Conditions:
Cardiovascular phenotype. Identifiers: MedGen CN230736.

Submission:

Ambry Genetics
Classification: Uncertain significance for Cardiovascular phenotype. Last evaluated: 2024-05-22. Review status: criteria provided, single submitter. Criteria: Ambry Variant Classification Scheme 2023. Collection method: clinical testing. Allele origin: germline.
Comment: The p.Q2084* variant (also known as c.6250C>T), located in coding exon 26 of the AKAP9 gene, results from a C to T substitution at nucleotide position 6250. This changes the amino acid from a glutamine to a stop codon within coding exon 26. This alteration is expected to result in loss of function by premature protein truncation or nonsense-mediated mRNA decay. However, the evidence for this gene-disease relationship is limited; therefore, the clinical significance of this alteration is unclear.

NM_005751.5(AKAP9):c.6250C>T (p.Gln2084Ter)

Gene: AKAP9 (A-kinase anchoring protein 9; plus strand). Cytogenetic location: 7q21.2.
Variant type: single nucleotide variant.
Coding change: c.6250C>T on transcript NM_005751.5 (MANE Select); coding-DNA position 6250, C replaced by T.
Protein change: p.Gln2084Ter; replaces glutamine 2084 with a stop codon.
Molecular consequence: nonsense.
Genome position (GRCh38, 1-based): chr7:92,066,466, C>T. VCF-style: chr7-92066466-C-T. GRCh37 (hg19) VCF-style: chr7-91695780-C-T.
Other names: c.895C>T, p.Gln299Ter (NM_001379277.1); c.6250C>T, p.Gln2084Ter (NM_147185.3); short protein forms Q2084*, Q299*.
Identifiers: ClinVar variation 3281981 (VCV003281981.1).